The following is an entry in ClinVar:

NM_000078.3(CETP):c.988G>A (p.Gly330Ser)

Gene: CETP (cholesteryl ester transfer protein; plus strand). Cytogenetic location: 16q13.
Variant type: single nucleotide variant.
Coding change: c.988G>A on transcript NM_000078.3 (MANE Select); coding-DNA position 988, G replaced by A.
Protein change: p.Gly330Ser; replaces glycine 330 with serine.
Molecular consequence: missense variant.
Genome position (GRCh38, 1-based): chr16:56,978,097, G>A. VCF-style: chr16-56978097-G-A. GRCh37 (hg19) VCF-style: chr16-57012009-G-A.
Other names: c.808G>A, p.Gly270Ser (NM_001286085.2); short protein forms G330S, G270S.
Identifiers: ClinVar variation 3143284 (VCV003143284.3), dbSNP rs375653767, ClinGen allele CA8071192.
Genomic context (GRCh38, chr16:56,978,097, plus strand): 5'-TGCTGCTGCCCTGATGGGCCCCTGTCCTGGCCATGGGACCCCTGTCTTCCACAGGTTGTC[G>A]GCGGCTTCCCCAGCCAGGCCCAAGTCACCGTCCACTGCCTCAAGATGCCCAAGATCTCCT-3'
Protein context (NP_000069.2, residues 320-340): TNQEIFQEVV[Gly330Ser]GFPSQAQVTV

ClinVar aggregate classification (germline): Uncertain significance. Review status: criteria provided, multiple submitters, no conflicts (2 of 4 stars). 2 submissions from 2 submitters: Uncertain significance (2). Last evaluated 2025-07-15.

Allele frequency attached by ClinVar (database versions not stated): ExAC 0.00002; gnomAD exomes 0.00005; TOPMed 0.00005; gnomAD 0.00007; ESP Exome Variant Server 0.00008.
gnomAD v4.1: 80 of 1,613,976 alleles (0.005%); highest among the groups gnomAD compares: African/African-American, 0.0067%; no homozygotes.

Submissions (2):

Labcorp Genetics (formerly Invitae), Labcorp
Classification: Uncertain significance. Last evaluated: 2025-07-15. Review status: criteria provided, single submitter. Criteria: Invitae Variant Classification Sherloc (09022015). Collection method: clinical testing. Allele origin: germline.
Comment: This sequence change replaces glycine, which is neutral and non-polar, with serine, which is neutral and polar, at codon 330 of the CETP protein (p.Gly330Ser). This variant is present in population databases (rs375653767, gnomAD 0.02%). This variant has not been reported in the literature in individuals affected with CETP-related conditions. ClinVar contains an entry for this variant (Variation ID: 3143284). Invitae Evidence Modeling of protein sequence and biophysical properties (such as structural, functional, and spatial information, amino acid conservation, physicochemical variation, residue mobility, and thermodynamic stability) indicates that this missense variant is not expected to disrupt CETP protein function with a negative predictive value of 80%. In summary, the available evidence is currently insufficient to determine the role of this variant in disease. Therefore, it has been classified as a Variant of Uncertain Significance.

Ambry Genetics
Classification: Uncertain significance. Last evaluated: 2025-07-03. Review status: criteria provided, single submitter. Criteria: Ambry Variant Classification Scheme 2023. Collection method: clinical testing. Allele origin: germline.